The following is an entry in ClinVar:

NM_138927.4(SON):c.5591G>C (p.Arg1864Pro)

Gene: SON (SON DNA and RNA binding protein; plus strand). Cytogenetic location: 21q22.11.
Variant type: single nucleotide variant.
Coding change: c.5591G>C on transcript NM_138927.4 (MANE Select); coding-DNA position 5591, G replaced by C.
Protein change: p.Arg1864Pro; replaces arginine 1864 with proline.
Molecular consequence: missense variant. On other transcripts: non-coding transcript variant (1), intron variant (1).
Genome position (GRCh38, 1-based): chr21:33,554,822, G>C. VCF-style: chr21-33554822-G-C. GRCh37 (hg19) VCF-style: chr21-34927128-G-C.
Other names: c.5591G>C, p.Arg1864Pro (NM_001291411.2, NM_001412133.1, NM_032195.3 and 2 more transcripts); c.245-2334G>C (NM_001291412.3); short protein forms R1864P.
Identifiers: ClinVar variation 1940072 (VCV001940072.5), dbSNP rs776976656, ClinGen allele CA410165125.
Genomic context (GRCh38, chr21:33,554,822, plus strand): 5'-GTTCTAGGGCAAGAAAGAGATCATCTAAGTCCAAGTCTCATCGCTCTCAGACACGTTCAC[G>C]GTCACGTTCAAGACGCAGGAGGAGAAGCAGCAGATCAAGATCAAAGTCTAGAGGAAGAAG-3'
Protein context (NP_620305.3, residues 1854-1874): SKSHRSQTRS[Arg1864Pro]SRSRRRRRSS

ClinVar aggregate classification (germline): Uncertain significance (1 of 4 stars; one submission).

Submission:

Labcorp Genetics (formerly Invitae), Labcorp
Classification: Uncertain significance. Last evaluated: 2024-02-24. Review status: criteria provided, single submitter. Criteria: Invitae Variant Classification Sherloc (09022015). Collection method: clinical testing. Allele origin: germline.
Comment: This sequence change replaces arginine, which is basic and polar, with proline, which is neutral and non-polar, at codon 1864 of the SON protein (p.Arg1864Pro). This variant is present in population databases (no rsID available, gnomAD 0.01%). This variant has not been reported in the literature in individuals affected with SON-related conditions. ClinVar contains an entry for this variant (Variation ID: 1940072). Experimental studies and prediction algorithms are not available or were not evaluated, and the functional significance of this variant is currently unknown. In summary, the available evidence is currently insufficient to determine the role of this variant in disease. Therefore, it has been classified as a Variant of Uncertain Significance.